The following is an entry in ClinVar:

NM_182961.4(SYNE1):c.6658A>G (p.Met2220Val)

Gene: SYNE1 (spectrin repeat containing nuclear envelope protein 1; minus strand). Cytogenetic location: 6q25.2.
Variant type: single nucleotide variant.
Coding change: c.6658A>G on transcript NM_182961.4 (MANE Select); coding-DNA position 6658, A replaced by G.
Protein change: p.Met2220Val; replaces methionine 2220 with valine.
Molecular consequence: missense variant.
Genome position (GRCh38, 1-based): chr6:152,407,079, T>C on the plus strand (A>G on the coding strand, the complement: SYNE1 is on the minus strand). VCF-style: chr6-152407079-T-C. GRCh37 (hg19) VCF-style: chr6-152728214-T-C.
Other names: c.6679A>G, p.Met2227Val (NM_033071.5); short protein forms M2220V, M2227V.
Identifiers: ClinVar variation 1036053 (VCV001036053.8), dbSNP rs2097912504, ClinGen allele CA366123903.
Genomic context (GRCh38, chr6:152,407,079, plus strand): 5'-ATTCTTTAAGCAGTTCTTCAGCTCTGAGGTGGTTATCCAGGTTGCTGATGTTTTCTGCCA[T>C]CTGTGGAACGCAGTTGTTTGACCATCCCTCAATCTCATCTCTAGTTGACAGTACATCATC-3'
Protein context (NP_892006.3, residues 2210-2230): EGWSNNCVPQ[Met2220Val]AENISNLDNH

ClinVar aggregate classification (germline): Uncertain significance (1 of 4 stars; one submission).

Conditions:
Emery-Dreifuss muscular dystrophy 4, autosomal dominant (EDMD4). Also called: EMERY-DREIFUSS MUSCULAR DYSTROPHY 4 WITH VARIABLE FEATURES. Identifiers: Orphanet 261, MedGen C2751807, MONDO:0013071, OMIM 612998.
Autosomal recessive ataxia, Beauce type. Also called: Spinocerebellar ataxia, autosomal recessive 8; ATAXIA, RECESSIVE, OF BEAUCE; SYNE1 Deficiency; SYNE1-Related Autosomal Recessive Cerebellar Ataxia. Identifiers: Orphanet 88644, MedGen C1853116, MONDO:0012549, OMIM 610743.

Allele frequency attached by ClinVar (database versions not stated): gnomAD exomes below 0.00001.
gnomAD v4.1: 2 of 1,614,076 alleles (0.00012%); highest among the groups gnomAD compares: African/African-American, 0.0027%; no homozygotes.

Submission:

Labcorp Genetics (formerly Invitae), Labcorp
Classification: Uncertain significance for Emery-Dreifuss muscular dystrophy 4, autosomal dominant; Autosomal recessive ataxia, Beauce type. Last evaluated: 2018-05-05. Review status: criteria provided, single submitter. Criteria: Invitae Variant Classification Sherloc (09022015). Collection method: clinical testing. Allele origin: germline.
Comment: In summary, the available evidence is currently insufficient to determine the role of this variant in disease. Therefore, it has been classified as a Variant of Uncertain Significance. Algorithms developed to predict the effect of sequence changes on RNA splicing suggest that this variant may create or strengthen a splice site, but this prediction has not been confirmed by published transcriptional studies. Algorithms developed to predict the effect of missense changes on protein structure and function do not agree on the potential impact of this missense change (SIFT: "Deleterious"; PolyPhen-2: "Benign"; Align-GVGD: "Class C0"). This variant has not been reported in the literature in individuals with SYNE1-related disease. This variant is not present in population databases (ExAC no frequency). This sequence change replaces methionine with valine at codon 2227 of the SYNE1 protein (p.Met2227Val). The methionine residue is weakly conserved and there is a small physicochemical difference between methionine and valine.